The following is an entry in ClinVar:

ClinVar aggregate classification (germline): Pathogenic/Likely pathogenic. Review status: criteria provided, multiple submitters, no conflicts (2 of 4 stars). 3 submissions from 3 submitters: Pathogenic (2); Likely pathogenic (1). Last evaluated 2025-07-15.

Conditions:
MYO7A-related disorder. Also called: MYO7A-related disorders.
Usher syndrome type 1 (USH1). Also called: RETINITIS PIGMENTOSA AND CONGENITAL DEAFNESS. Identifiers: Orphanet 231169, Orphanet 886, MedGen C1568247, MONDO:0010168, OMIM 276900.

Submissions (3):

Myriad Genetics, Inc.
Classification: Pathogenic for Usher syndrome type 1. Last evaluated: 2025-07-15. Review status: criteria provided, single submitter. Criteria: Myriad Autosomal Dominant, Autosomal Recessive and X-Linked Classification Criteria (2023). Collection method: clinical testing. Allele origin: unknown.
Comment: NM_000260.3(MYO7A):c.4183delC(Q1395Sfs*4) is a frameshift variant classified as pathogenic in the context of MYO7A-related disorders. Q1395Sfs*4 has not been observed in cases with relevant disease. Relevant functional assessments of this variant are not available in the literature. Q1395Sfs*4 has not been observed in referenced population frequency databases. In summary, NM_000260.3(MYO7A):c.4183delC(Q1395Sfs*4) is a frameshift variant in a gene where loss of function is a known mechanism of disease and is predicted to disrupt protein function. Please note: this variant was assessed in the context of healthy population screening.

Labcorp Genetics (formerly Invitae), Labcorp
Classification: Pathogenic. Last evaluated: 2023-04-01. Review status: criteria provided, single submitter. Criteria: Invitae Variant Classification Sherloc (09022015). Collection method: clinical testing. Allele origin: germline.
Comment: This variant is not present in population databases (gnomAD no frequency). For these reasons, this variant has been classified as Pathogenic. This variant has not been reported in the literature in individuals affected with MYO7A-related conditions. This sequence change creates a premature translational stop signal (p.Gln1395Serfs*4) in the MYO7A gene. It is expected to result in an absent or disrupted protein product. Loss-of-function variants in MYO7A are known to be pathogenic (PMID: 8900236, 25404053).

Blueprint Genetics
Classification: Likely pathogenic for MYO7A-related disorders. Last evaluated: 2017-08-25. Review status: criteria provided, single submitter. Criteria: ACMG Guidelines, 2015. Collection method: clinical testing. Allele origin: germline. Affected: yes. Observed: 1 variant allele.

Literature cited by the submitters: PubMed 8900236 (cited by Labcorp Genetics (formerly Invitae), Labcorp); PubMed 25404053 (cited by Labcorp Genetics (formerly Invitae), Labcorp).

NM_000260.4(MYO7A):c.4183del (p.Gln1395fs)

Gene: MYO7A (myosin VIIA; plus strand). Cytogenetic location: 11q13.5.
Variant type: Deletion.
Coding change: c.4183del on transcript NM_000260.4 (MANE Select); coding-DNA position 4183, one base deleted (C; older notation c.4183delC).
Protein change: p.Gln1395fs; shifts the reading frame from glutamine 1395.
Molecular consequence: frameshift variant.
Genome position (GRCh38, 1-based): chr11:77,194,384, C deleted. VCF-style (leftmost placement, unchanged base first): chr11-77194383-GC-G. GRCh37 (hg19) VCF-style: chr11-76905428-GC-G.
Other names: c.4183del, p.Gln1395fs (NM_001127180.2); c.4150del, p.Gln1384fs (NM_001369365.1); short protein forms Q1384fs, Q1395fs.
Identifiers: ClinVar variation 2906755 (VCV002906755.5), dbSNP rs2497489299, ClinGen allele CA2739270697.